The following is an entry in ClinVar:

NM_006739.4(MCM5):c.1204G>T (p.Val402Leu)

Gene: MCM5 (minichromosome maintenance complex component 5; plus strand). Cytogenetic location: 22q12.3.
Variant type: single nucleotide variant.
Coding change: c.1204G>T on transcript NM_006739.4 (MANE Select); coding-DNA position 1204, G replaced by T.
Protein change: p.Val402Leu; replaces valine 402 with leucine.
Molecular consequence: missense variant.
Genome position (GRCh38, 1-based): chr22:35,415,829, G>T. VCF-style: chr22-35415829-G-T. GRCh37 (hg19) VCF-style: chr22-35811822-G-T.
Other names: short protein forms V402L.
Identifiers: ClinVar variation 2079616 (VCV002079616.4), dbSNP rs768308143, ClinGen allele CA411346458.
Genomic context (GRCh38, chr22:35,415,829, plus strand): 5'-TCTTATGGGGGTCAAAGCATGGAGTTGTTATTGGGCCCTGACACCACCCCACTGCCCCAG[G>T]TATACACGTCTGGGAAAGGCAGCAGCGCAGCTGGACTGACAGCCTCGGTGATGAGGGACC-3'
Protein context (NP_006730.2, residues 392-412): KFVEKCSPIG[Val402Leu]YTSGKGSSAA

ClinVar aggregate classification (germline): Uncertain significance (1 of 4 stars; one submission).

Submission:

Labcorp Genetics (formerly Invitae), Labcorp
Classification: Uncertain significance. Last evaluated: 2022-01-11. Review status: criteria provided, single submitter. Criteria: Invitae Variant Classification Sherloc (09022015). Collection method: clinical testing. Allele origin: germline.
Comment: This sequence change replaces valine, which is neutral and non-polar, with leucine, which is neutral and non-polar, at codon 402 of the MCM5 protein (p.Val402Leu). In summary, the available evidence is currently insufficient to determine the role of this variant in disease. Therefore, it has been classified as a Variant of Uncertain Significance. Algorithms developed to predict the effect of sequence changes on RNA splicing suggest that this variant may disrupt the consensus splice site. Algorithms developed to predict the effect of missense changes on protein structure and function are either unavailable or do not agree on the potential impact of this missense change (SIFT: "Deleterious"; PolyPhen-2: "Possibly Damaging"; Align-GVGD: "Class C0"). This variant has not been reported in the literature in individuals affected with MCM5-related conditions. This variant is not present in population databases (gnomAD no frequency).